The following is an entry in ClinVar:

ClinVar aggregate classification (germline): Benign/Likely benign. Review status: criteria provided, multiple submitters, no conflicts (2 of 4 stars). 4 submissions from 4 submitters: Benign (3); Likely benign (1). Last evaluated 2026-01-19.

Conditions:
Aortic aneurysm, familial thoracic 8 (AAT8). Identifiers: MedGen C3809513, MONDO:0014187, OMIM 615436.

Allele frequency attached by ClinVar (database versions not stated): TOPMed 0.00043; 1000 Genomes Project 30x 0.00078; gnomAD exomes 0.00086 and 0.00027; ExAC 0.00087; 1000 Genomes Project 0.00100; gnomAD 0.00025 and 0.00032.
gnomAD v4.1: 434 of 1,611,048 alleles (0.027%); highest among the groups gnomAD compares: East Asian, 0.83%; 3 homozygotes.

Submissions (4):

Labcorp Genetics (formerly Invitae), Labcorp
Classification: Benign for Aortic aneurysm, familial thoracic 8. Last evaluated: 2026-01-19. Review status: criteria provided, single submitter. Criteria: Invitae Variant Classification Sherloc (09022015). Collection method: clinical testing. Allele origin: germline.

Blueprint Genetics
Classification: Likely benign. Last evaluated: 2024-10-10. Review status: criteria provided, single submitter. Criteria: ACMG Guidelines, 2015. Collection method: clinical testing. Allele origin: germline.

Women's Health and Genetics/Laboratory Corporation of America, LabCorp
Classification: Benign. Last evaluated: 2023-07-21. Review status: criteria provided, single submitter. Criteria: LabCorp Variant Classification Summary - May 2015. Collection method: clinical testing. Allele origin: germline.

GeneDx
Classification: Benign. Last evaluated: 2017-12-21. Review status: criteria provided, single submitter. Criteria: GeneDx Variant Classification (06012015). Collection method: clinical testing. Allele origin: germline. Affected: yes.
Comment: This variant is considered likely benign or benign based on one or more of the following criteria: it is a conservative change, it occurs at a poorly conserved position in the protein, it is predicted to be benign by multiple in silico algorithms, and/or has population frequency not consistent with disease.

NM_006258.4(PRKG1):c.840+14G>T

Gene: PRKG1 (protein kinase cGMP-dependent 1; plus strand). Cytogenetic location: 10q21.1.
Variant type: single nucleotide variant.
Coding change: c.840+14G>T on transcript NM_006258.4 (MANE Select); 14 bases into the intron after coding-DNA position 840, G replaced by T.
Molecular consequence: intron variant.
Genome position (GRCh38, 1-based): chr10:52,054,575, G>T. VCF-style: chr10-52054575-G-T. GRCh37 (hg19) VCF-style: chr10-53814335-G-T.
Other names: c.840+14G>T (LRG_1135t1); c.795+14G>T (LRG_1135t2, NM_001098512.3).
Identifiers: ClinVar variation 506513 (VCV000506513.10), dbSNP rs146372571, ClinGen allele CA5503628.